The following is an entry in ClinVar:

NM_032888.4(COL27A1):c.4291G>A (p.Val1431Met)

Gene: COL27A1 (collagen type XXVII alpha 1 chain; plus strand). Cytogenetic location: 9q32.
Variant type: single nucleotide variant.
Coding change: c.4291G>A on transcript NM_032888.4 (MANE Select); coding-DNA position 4291, G replaced by A.
Protein change: p.Val1431Met; replaces valine 1431 with methionine.
Molecular consequence: missense variant.
Genome position (GRCh38, 1-based): chr9:114,290,254, G>A. VCF-style: chr9-114290254-G-A. GRCh37 (hg19) VCF-style: chr9-117052534-G-A.
Other names: short protein forms V1431M.
Identifiers: ClinVar variation 2194980 (VCV002194980.1), dbSNP rs781067963, ClinGen allele CA5202915.

ClinVar aggregate classification (germline): Uncertain significance (1 of 4 stars; one submission).

Allele frequency attached by ClinVar (database versions not stated): TOPMed 0.00001; gnomAD 0.00002; ExAC 0.00013.
gnomAD v4.1: 61 of 1,574,876 alleles (0.0039%); highest among the groups gnomAD compares: South Asian, 0.0069%; no homozygotes.

Submission:

Labcorp Genetics (formerly Invitae), Labcorp
Classification: Uncertain significance. Last evaluated: 2022-03-09. Review status: criteria provided, single submitter. Criteria: Invitae Variant Classification Sherloc (09022015). Collection method: clinical testing. Allele origin: germline.
Comment: This sequence change replaces valine, which is neutral and non-polar, with methionine, which is neutral and non-polar, at codon 1431 of the COL27A1 protein (p.Val1431Met). This variant is present in population databases (rs781067963, gnomAD 0.01%). This variant has not been reported in the literature in individuals affected with COL27A1-related conditions. Advanced modeling of protein sequence and biophysical properties (such as structural, functional, and spatial information, amino acid conservation, physicochemical variation, residue mobility, and thermodynamic stability) performed at Invitae indicates that this missense variant is not expected to disrupt COL27A1 protein function. In summary, the available evidence is currently insufficient to determine the role of this variant in disease. Therefore, it has been classified as a Variant of Uncertain Significance.